The following is an entry in ClinVar:

NM_001173464.2(KIF21A):c.1628A>G (p.Lys543Arg)

Gene: KIF21A (kinesin family member 21A; minus strand). Cytogenetic location: 12q12.
Variant type: single nucleotide variant.
Coding change: c.1628A>G on transcript NM_001173464.2 (MANE Select); coding-DNA position 1628, A replaced by G.
Protein change: p.Lys543Arg; replaces lysine 543 with arginine.
Molecular consequence: missense variant.
Genome position (GRCh38, 1-based): chr12:39,351,822, T>C on the plus strand (A>G on the coding strand, the complement: KIF21A is on the minus strand). VCF-style: chr12-39351822-T-C. GRCh37 (hg19) VCF-style: chr12-39745624-T-C.
Other names: c.1628A>G, p.Lys543Arg (NM_001173463.2, NM_001173465.2, NM_017641.4); short protein forms K543R.
Identifiers: ClinVar variation 308579 (VCV000308579.24), dbSNP rs149219011, ClinGen allele CA6510978.
Genomic context (GRCh38, chr12:39,351,822, plus strand): 5'-ATTTTATAATCCCACCTTTTTTTCTTCCTCTTTTCTTTTCTTTTCAACTTCTCTAAATCT[T>C]TTTTTGCTAGGTCTATAATTTCAATGGTTTCTTTGTCTGAGGATAGTATGGTAGGAGAAA-3'
Protein context (NP_001166935.1, residues 533-553): ETIEIIDLAK[Lys543Arg]DLEKLKRKEK

ClinVar aggregate classification (germline): Benign/Likely benign. Review status: criteria provided, multiple submitters, no conflicts (2 of 4 stars). 5 submissions from 5 submitters: Benign (4); Likely benign (1). Last evaluated 2026-03-01.

Conditions:
Congenital fibrosis of extraocular muscles type 1. Also called: OPHTHALMOPLEGIA, CONGENITAL; BLEPHAROPTOSIS WITH ABSENT EYE MOVEMENTS; CFEOM3B; FEOM1 LOCUS. Identifiers: MedGen C1851102, MONDO:0021083, OMIM 135700.

Allele frequency attached by ClinVar (database versions not stated): 1000 Genomes Project 30x 0.00297; 1000 Genomes Project 0.00300; gnomAD 0.00745 and 0.00766; gnomAD exomes 0.00754 and 0.01136; ExAC 0.00775; TOPMed 0.00832; ESP Exome Variant Server 0.00877.
gnomAD v4.1: 17,434 of 1,603,250 alleles (1.1%); highest among the groups gnomAD compares: Non-Finnish European, 1.4%; 111 homozygotes.

Submissions (5):

CeGaT Center for Human Genetics Tuebingen
Classification: Benign. Last evaluated: 2026-03-01. Review status: criteria provided, single submitter. Criteria: CeGaT Center For Human Genetics Tuebingen Variant Classification Criteria Version 2. Collection method: clinical testing. Allele origin: germline. Affected: yes. Observed: 3 variant alleles.
Comment: KIF21A: BS1, BS2

Fulgent Genetics
Classification: Likely benign for Congenital fibrosis of extraocular muscles type 1. Last evaluated: 2021-10-26. Review status: criteria provided, single submitter. Criteria: ACMG Guidelines, 2015. Collection method: clinical testing. Allele origin: unknown.

Labcorp Genetics (formerly Invitae), Labcorp
Classification: Benign. Last evaluated: 2019-12-31. Review status: criteria provided, single submitter. Criteria: Invitae Variant Classification Sherloc (09022015). Collection method: clinical testing. Allele origin: germline.

Illumina Laboratory Services, Illumina
Classification: Benign for Congenital fibrosis of extraocular muscles type 1. Last evaluated: 2018-01-13. Review status: criteria provided, single submitter. Criteria: ICSL Variant Classification Criteria 13 December 2019. Collection method: clinical testing. Allele origin: germline.
Comment: This variant was observed in the ICSL laboratory as part of a predisposition screen in an ostensibly healthy population. It had not been previously curated by ICSL or reported in the Human Gene Mutation Database (HGMD: prior to June 1st, 2018), and was therefore a candidate for classification through an automated scoring system. Utilizing variant allele frequency, disease prevalence and penetrance estimates, and inheritance mode, an automated score was calculated to assess if this variant is too frequent to cause the disease. Based on the score and internal cut-off values, a variant classified as benign is not then subjected to further curation. The score for this variant resulted in a classification of benign for this disease.

Breakthrough Genomics
Classification: Benign. Review status: criteria provided, single submitter. Criteria: ACMG Guidelines, 2015. Collection method: not provided. Allele origin: germline. Inheritance: Autosomal dominant inheritance. Affected: yes.